The following is an entry in ClinVar:

ClinVar aggregate classification (germline): Likely pathogenic (1 of 4 stars; one submission).

Conditions:
Autosomal recessive limb-girdle muscular dystrophy type 2J (LGMDR10). Also called: Limb-girdle muscular dystrophy, type 2J; MUSCULAR DYSTROPHY, LIMB-GIRDLE, AUTOSOMAL RECESSIVE 10. Identifiers: Orphanet 140922, MedGen C1837342, MONDO:0012127, OMIM 608807.
Dilated cardiomyopathy 1G (CMD1G). Identifiers: Orphanet 154, MedGen C1858763, MONDO:0011400, OMIM 604145.

Submission:

Labcorp Genetics (formerly Invitae), Labcorp
Classification: Likely pathogenic for Dilated cardiomyopathy 1G; Autosomal recessive limb-girdle muscular dystrophy type 2J. Last evaluated: 2025-11-23. Review status: criteria provided, single submitter. Criteria: Invitae Variant Classification Sherloc (09022015). Collection method: clinical testing. Allele origin: germline.
Comment: This sequence change affects an acceptor splice site in intron 215 of the TTN gene. It is expected to disrupt RNA splicing and likely results in a truncated or disrupted TTN protein. This variant is not present in population databases (gnomAD no frequency). This variant has not been observed in the literature in individuals with autosomal recessive TTN-related conditions. This variant has been reported in individual(s) with autosomal dominant dilated cardiomyopathy (internal data); however, the role of the variant in this condition is currently unclear. Algorithms developed to predict the effect of sequence changes on RNA splicing suggest that this variant may disrupt the consensus splice site. This variant is located in the I band of TTN (PMID: 25589632). Truncating variants in this region have been reported in individuals affected with autosomal recessive centronuclear myopathy (PMID: 23975875, internal data). Truncating variants in this region have also been identified in individuals affected with autosomal dominant dilated cardiomyopathy and/or cardio-related conditions (PMID: 27869827, 32964742, internal data). In summary, the currently available evidence indicates that the variant is pathogenic, but additional data are needed to prove that conclusively. Therefore, this variant has been classified as Likely Pathogenic.

Literature cited by the submitters: PubMed 25589632; PubMed 23975875; PubMed 27869827; PubMed 32964742.

NM_001267550.2(TTN):c.40223-2A>G

Gene: TTN (titin; minus strand). Cytogenetic location: 2q31.2.
Variant type: single nucleotide variant.
Coding change: c.40223-2A>G on transcript NM_001267550.2 (MANE Select); the canonical splice acceptor site of the intron before coding-DNA position 40223, A replaced by G.
Molecular consequence: splice acceptor variant. On other transcripts: intron variant (5).
Genome position (GRCh38, 1-based): chr2:178,646,561, T>C on the plus strand (A>G on the coding strand, the complement: TTN is on the minus strand). VCF-style: chr2-178646561-T-C. GRCh37 (hg19) VCF-style: chr2-179511288-T-C.
Other names: c.13283-4244A>G (NM_003319.4); c.13859-4244A>G (NM_133437.4); c.13658-4244A>G (NM_133432.3); c.32594-531A>G (NM_133378.4); c.35375-531A>G (NM_001256850.1).
Identifiers: ClinVar variation 4788820 (VCV004788820.1).